The following is an entry in ClinVar:

ClinVar aggregate classification (germline): Benign/Likely benign. Review status: criteria provided, multiple submitters, no conflicts (2 of 4 stars). 4 submissions from 4 submitters: Benign (1); Likely benign (3). Last evaluated 2025-01-23.

Conditions:
Lynch syndrome. Identifiers: Orphanet 144, MedGen C4552100, MONDO:0005835. Disease mechanism: loss of function.
Lynch syndrome 4 (LYNCH4). Also called: Colorectal cancer, hereditary nonpolyposis, type 4; Hereditary non-polyposis colorectal cancer, type 4. Identifiers: Orphanet 144, MedGen C1838333, MONDO:0013699, OMIM 614337. Disease mechanism: loss of function.
Hereditary nonpolyposis colorectal neoplasms. Identifiers: MedGen C0009405, MeSH D003123.
Hereditary cancer-predisposing syndrome. Also called: Tumor predisposition; Neoplastic Syndromes, Hereditary; Hereditary Cancer Syndrome; Hereditary neoplastic syndrome. Identifiers: Orphanet 140162, MedGen C0027672, MeSH D009386, MONDO:0015356.

Submissions (4):

Myriad Genetics, Inc.
Classification: Benign for Lynch syndrome 4. Last evaluated: 2025-01-23. Review status: criteria provided, single submitter. Criteria: Myriad Autosomal Dominant, Autosomal Recessive and X-Linked Classification Criteria (2023). Collection method: clinical testing. Allele origin: unknown.
Comment: This variant is considered benign. This variant is a silent/synonymous amino acid change and it is not expected to impact splicing.

All of Us Research Program, National Institutes of Health
Classification: Likely benign for Lynch syndrome. Last evaluated: 2024-07-29. Review status: criteria provided, single submitter. Criteria: ACMG Guidelines, 2015. Collection method: clinical testing. Allele origin: germline. Inheritance: Autosomal dominant inheritance. Observed: 1 variant allele, 1 heterozygote.
Comment: This study involves interpretation of variants in research participants for the purpose of population health screening. Participant phenotype was not available at the time of variant classification. Additional details can be found in publication PMID: 35346344, PMCID: PMC8962531

Labcorp Genetics (formerly Invitae), Labcorp
Classification: Likely benign for Hereditary nonpolyposis colorectal neoplasms. Last evaluated: 2024-04-30. Review status: criteria provided, single submitter. Criteria: Invitae Variant Classification Sherloc (09022015). Collection method: clinical testing. Allele origin: germline.

Ambry Genetics
Classification: Likely benign for Hereditary cancer-predisposing syndrome. Last evaluated: 2022-09-28. Review status: criteria provided, single submitter. Criteria: Ambry Variant Classification Scheme 2023. Collection method: clinical testing. Allele origin: germline.

NM_000535.7(PMS2):c.96A>C (p.Val32=)

Gene: PMS2 (PMS1 homolog 2, mismatch repair system component; minus strand). Cytogenetic location: 7p22.1.
Variant type: single nucleotide variant.
Coding change: c.96A>C on transcript NM_000535.7 (MANE Select); coding-DNA position 96, A replaced by C.
Protein change: p.Val32=; no amino-acid change (valine 32 retained).
Molecular consequence: synonymous variant. On other transcripts: 5 prime UTR variant (8), non-coding transcript variant (1), intron variant (3).
Genome position (GRCh38, 1-based): chr7:6,005,959, T>G on the plus strand (A>C on the coding strand, the complement: PMS2 is on the minus strand). VCF-style: chr7-6005959-T-G. GRCh37 (hg19) VCF-style: chr7-6045590-T-G.
Other names: c.-310A>C (NM_001322003.2, NM_001322005.2, NM_001322009.2 and 1 more transcripts); c.96A>C, p.Val32= (NM_001322006.2, NM_001322014.2); c.-120A>C (NM_001322007.2); c.-789A>C (NM_001322011.2, NM_001322012.2); c.-389A>C (NM_001322015.2); c.-52-1901A>C (NM_001322008.2); c.-242-1901A>C (NM_001322010.2, NM_001322004.2).
Identifiers: ClinVar variation 761190 (VCV000761190.13), dbSNP rs746089731, ClinGen allele CA453650264.